The following is an entry in ClinVar:

ClinVar aggregate classification (germline): Conflicting classifications of pathogenicity. Review status: criteria provided, conflicting classifications (1 of 4 stars). 2 submissions from 2 submitters: Uncertain significance (1); Likely benign (1). Last evaluated 2023-03-23.

Conditions:
Hereditary cancer-predisposing syndrome. Also called: Neoplastic Syndromes, Hereditary; Tumor predisposition; Hereditary neoplastic syndrome; Hereditary Cancer Syndrome. Identifiers: Orphanet 140162, MedGen C0027672, MeSH D009386, MONDO:0015356.
Hereditary breast ovarian cancer syndrome. Also called: BRCA1- and BRCA2-Associated Hereditary Breast and Ovarian Cancer; Hereditary breast and ovarian cancer; Hereditary breast and ovarian cancer syndrome; Hereditary breast and ovarian cancer syndrome (HBOC); Breast and ovarian cancer; Hereditary breast and/or ovarian cancer syndrome. Identifiers: Orphanet 145, MedGen C0677776, MeSH D061325, MONDO:0003582. Disease mechanism: loss of function.

Submissions (2):

University of Washington Department of Laboratory Medicine, University of Washington
Classification: Likely benign for Hereditary cancer-predisposing syndrome. Last evaluated: 2023-03-23. Review status: criteria provided, single submitter. Criteria: Dines et al. (Genet Med. 2020). Collection method: curation. Allele origin: germline.
Comment: Missense variant in a coldspot region where missense variants are very unlikely to be pathogenic (PMID:31911673).

BRCA1 coldspot (exon 11 using historical exon numbering). Reclassification based on statistical prior probability

Labcorp Genetics (formerly Invitae), Labcorp
Classification: Uncertain significance for Hereditary breast ovarian cancer syndrome. Last evaluated: 2021-11-12. Review status: criteria provided, single submitter. Criteria: Invitae Variant Classification Sherloc (09022015). Collection method: clinical testing. Allele origin: germline.
Comment: This sequence change replaces arginine, which is basic and polar, with isoleucine, which is neutral and non-polar, at codon 350 of the BRCA1 protein (p.Arg350Ile). This variant is not present in population databases (gnomAD no frequency). This variant has not been reported in the literature in individuals affected with BRCA1-related conditions. Advanced modeling of protein sequence and biophysical properties (such as structural, functional, and spatial information, amino acid conservation, physicochemical variation, residue mobility, and thermodynamic stability) performed at Invitae indicates that this missense variant is not expected to disrupt BRCA1 protein function. In summary, the available evidence is currently insufficient to determine the role of this variant in disease. Therefore, it has been classified as a Variant of Uncertain Significance.

NM_007294.4(BRCA1):c.1049G>T (p.Arg350Ile)

Gene: BRCA1 (BRCA1 DNA repair associated; minus strand). Cytogenetic location: 17q21.31.
Variant type: single nucleotide variant.
Coding change: c.1049G>T on transcript NM_007294.4 (MANE Select); coding-DNA position 1049, G replaced by T.
Protein change: p.Arg350Ile; replaces arginine 350 with isoleucine.
Molecular consequence: missense variant. On other transcripts: intron variant (137).
Genome position (GRCh38, 1-based): chr17:43,094,482, C>A on the plus strand (G>T on the coding strand, the complement: BRCA1 is on the minus strand). VCF-style: chr17-43094482-C-A. GRCh37 (hg19) VCF-style: chr17-41246499-C-A.
Other names: c.836G>T, p.Arg279Ile (NM_001407571.1, NM_001407853.1, NM_001407894.1 and 9 more transcripts); c.1049G>T, p.Arg350Ile (NM_001407581.1, NM_001407582.1, NM_001407583.1 and 30 more transcripts); c.1046G>T, p.Arg349Ile (NM_001407587.1, NM_001407590.1, NM_001407591.1 and 22 more transcripts); c.1040G>T, p.Arg347Ile (NM_001407646.1, NM_001407647.1); c.926G>T, p.Arg309Ile (NM_001407648.1, NM_001407664.1, NM_001407665.1 and 19 more transcripts); c.923G>T, p.Arg308Ile (NM_001407649.1, NM_001407670.1, NM_001407671.1 and 11 more transcripts); c.971G>T, p.Arg324Ile (NM_001407653.1, NM_001407654.1, NM_001407655.1 and 4 more transcripts); c.968G>T, p.Arg323Ile (NM_001407659.1, NM_001407660.1, NM_001407661.1 and 1 more transcripts); and 40 more; short protein forms R303I, R350I, R222I, R261I, R309I, R324I, R182I, R223I.
Identifiers: ClinVar variation 1351067 (VCV001351067.9), dbSNP rs2054001685, ClinGen allele CA10599963.